The following is an entry in ClinVar:

NM_005912.3(MC4R):c.70C>A (p.His24Asn)

Gene: MC4R (melanocortin 4 receptor; minus strand). Cytogenetic location: 18q21.32.
Variant type: single nucleotide variant.
Coding change: c.70C>A on transcript NM_005912.3 (MANE Select); coding-DNA position 70, C replaced by A.
Protein change: p.His24Asn; replaces histidine 24 with asparagine.
Molecular consequence: missense variant.
Genome position (GRCh38, 1-based): chr18:60,372,280, G>T on the plus strand (C>A on the coding strand, the complement: MC4R is on the minus strand). VCF-style: chr18-60372280-G-T. GRCh37 (hg19) VCF-style: chr18-58039513-G-T.
Other names: short protein forms H24N.
Identifiers: ClinVar variation 3358821 (VCV003358821.1).

ClinVar aggregate classification (germline): Uncertain significance (0 of 4 stars; one submission).

Conditions:
MC4R-related disorder. Also called: MC4R-related condition.

Submission:

PreventionGenetics, part of Exact Sciences
Classification: Uncertain significance for MC4R-related condition. Last evaluated: 2024-04-25. Review status: no assertion criteria provided. Collection method: clinical testing. Allele origin: germline.
Comment: The MC4R c.70C>A variant is predicted to result in the amino acid substitution p.His24Asn. To our knowledge, this variant has not been reported in the literature. This variant is reported in 0.0029% of alleles in individuals of Latino descent in gnomAD. At this time, the clinical significance of this variant is uncertain due to the absence of conclusive functional and genetic evidence.